The following is an entry in ClinVar:

ClinVar aggregate classification (germline): Likely benign (1 of 4 stars; one submission).

Allele frequency attached by ClinVar (database versions not stated): 1000 Genomes Project 30x 0.00265; 1000 Genomes Project 0.00280; gnomAD 0.00514; TOPMed 0.00549; ExAC 0.00569; ESP Exome Variant Server 0.00623; gnomAD exomes 0.00699.

Submission:

CeGaT Center for Human Genetics Tuebingen
Classification: Likely benign. Last evaluated: 2022-12-01. Review status: criteria provided, single submitter. Criteria: CeGaT Center For Human Genetics Tuebingen Variant Classification Criteria Version 2. Collection method: clinical testing. Allele origin: germline. Affected: yes. Observed: 1 variant allele.
Comment: PSMD2: BP4, BP7, BS2

NM_002808.5(PSMD2):c.2196G>A (p.Val732=)

Gene: PSMD2 (proteasome 26S subunit ubiquitin receptor, non-ATPase 2; plus strand). Cytogenetic location: 3q27.1.
Variant type: single nucleotide variant.
Coding change: c.2196G>A on transcript NM_002808.5 (MANE Select); coding-DNA position 2196, G replaced by A.
Protein change: p.Val732=; no amino-acid change (valine 732 retained).
Molecular consequence: synonymous variant.
Genome position (GRCh38, 1-based): chr3:184,307,518, G>A. VCF-style: chr3-184307518-G-A. GRCh37 (hg19) VCF-style: chr3-184025306-G-A.
Other names: c.1806G>A, p.Val602= (NM_001278708.2); c.1719G>A, p.Val573= (NM_001278709.2).
Identifiers: ClinVar variation 2654315 (VCV002654315.24), dbSNP rs11545175, ClinGen allele CA2731564.